The following is an entry in ClinVar:

NM_020964.3(EPG5):c.2255A>G (p.Gln752Arg)

Gene: EPG5 (ectopic P-granules 5 autophagy tethering factor; minus strand). Cytogenetic location: 18q21.1.
Variant type: single nucleotide variant.
Coding change: c.2255A>G on transcript NM_020964.3 (MANE Select); coding-DNA position 2255, A replaced by G.
Protein change: p.Gln752Arg; replaces glutamine 752 with arginine.
Molecular consequence: missense variant.
Genome position (GRCh38, 1-based): chr18:45,934,811, T>C on the plus strand (A>G on the coding strand, the complement: EPG5 is on the minus strand). VCF-style: chr18-45934811-T-C. GRCh37 (hg19) VCF-style: chr18-43514777-T-C.
Other names: short protein forms Q752R.
Identifiers: ClinVar variation 1008267 (VCV001008267.7), dbSNP rs2050480635, ClinGen allele CA402347509.

ClinVar aggregate classification (germline): Uncertain significance (1 of 4 stars; one submission).

Conditions:
Vici syndrome (VICIS). Identifiers: Orphanet 1493, MedGen C1855772, MONDO:0009452, OMIM 242840.

Submission:

Labcorp Genetics (formerly Invitae), Labcorp
Classification: Uncertain significance for Vici syndrome. Last evaluated: 2020-03-26. Review status: criteria provided, single submitter. Criteria: Invitae Variant Classification Sherloc (09022015). Collection method: clinical testing. Allele origin: germline.
Comment: In summary, the available evidence is currently insufficient to determine the role of this variant in disease. Therefore, it has been classified as a Variant of Uncertain Significance. Algorithms developed to predict the effect of missense changes on protein structure and function are either unavailable or do not agree on the potential impact of this missense change (SIFT: "Tolerated"; PolyPhen-2: "Possibly Damaging"; Align-GVGD: "Class C0"). This variant has not been reported in the literature in individuals with EPG5-related conditions. This variant is not present in population databases (ExAC no frequency). This sequence change replaces glutamine with arginine at codon 752 of the EPG5 protein (p.Gln752Arg). The glutamine residue is moderately conserved and there is a small physicochemical difference between glutamine and arginine.